The following is an entry in ClinVar:

NM_000292.3(PHKA2):c.2992A>G (p.Ser998Gly)

Gene: PHKA2 (phosphorylase kinase regulatory subunit alpha 2; minus strand). Cytogenetic location: Xp22.13.
Variant type: single nucleotide variant.
Coding change: c.2992A>G on transcript NM_000292.3 (MANE Select); coding-DNA position 2992, A replaced by G.
Protein change: p.Ser998Gly; replaces serine 998 with glycine.
Molecular consequence: missense variant.
Genome position (GRCh38, 1-based): chrX:18,901,520, T>C on the plus strand (A>G on the coding strand, the complement: PHKA2 is on the minus strand). VCF-style: chrX-18901520-T-C. GRCh37 (hg19) VCF-style: chrX-18919638-T-C.
Other names: c.2992A>G, p.Ser998Gly (NM_001440800.1, NM_001440801.1, NM_001440805.1); c.2893A>G, p.Ser965Gly (NM_001440802.1, NM_001440803.1, NM_001440804.1); short protein forms S965G, S998G.
Identifiers: ClinVar variation 4076833 (VCV004076833.1).

ClinVar aggregate classification (germline): Uncertain significance (1 of 4 stars; one submission).

Submission:

GeneDx
Classification: Uncertain significance. Last evaluated: 2025-02-22. Review status: criteria provided, single submitter. Criteria: GeneDx Variant Classification Process June 2021. Collection method: clinical testing. Allele origin: germline. Affected: yes.
Comment: Not observed at significant frequency in large population cohorts (gnomAD); In silico analysis indicates that this missense variant does not alter protein structure/function; Has not been previously published as pathogenic or benign to our knowledge